The following is an entry in ClinVar:

ClinVar aggregate classification (germline): Benign/Likely benign. Review status: criteria provided, multiple submitters, no conflicts (2 of 4 stars). 4 submissions from 4 submitters: Benign (2); Likely benign (2). Last evaluated 2026-01-26.

Conditions:
Weaver syndrome (WVS). Also called: Weaver Smith syndrome; Overgrowth syndrome with accelerated skeletal maturation, unusual facies, and camptodactyly. Identifiers: Orphanet 3447, MedGen C0265210, MONDO:0010193, OMIM 277590.

Allele frequency attached by ClinVar (database versions not stated): gnomAD 0.00261 and 0.00257; TOPMed 0.00275; ESP Exome Variant Server 0.00292; 1000 Genomes Project 30x 0.00078; 1000 Genomes Project 0.00080; gnomAD exomes 0.00209; ExAC 0.00214.
gnomAD v4.1: 5,939 of 1,606,364 alleles (0.37%); highest among the groups gnomAD compares: Non-Finnish European, 0.46%; 14 homozygotes.

Submissions (4):

Labcorp Genetics (formerly Invitae), Labcorp
Classification: Benign for Weaver syndrome. Last evaluated: 2026-01-26. Review status: criteria provided, single submitter. Criteria: Invitae Variant Classification Sherloc (09022015). Collection method: clinical testing. Allele origin: germline.

Blueprint Genetics
Classification: Likely benign. Last evaluated: 2024-11-22. Review status: criteria provided, single submitter. Criteria: ACMG Guidelines, 2015. Collection method: clinical testing. Allele origin: germline.

Centre for Mendelian Genomics, University Medical Centre Ljubljana
Classification: Benign for Weaver syndrome. Last evaluated: 2019-07-05. Review status: criteria provided, single submitter. Criteria: ACMG Guidelines, 2015. Collection method: clinical testing. Allele origin: unknown. Affected: yes.
Comment: This variant was classified as: Benign. The following ACMG criteria were applied in classifying this variant: BS1,BS2.

GeneDx
Classification: Likely benign. Last evaluated: 2017-09-11. Review status: criteria provided, single submitter. Criteria: GeneDx Variant Classification (06012015). Collection method: clinical testing. Allele origin: germline. Affected: yes.
Comment: This variant is considered likely benign or benign based on one or more of the following criteria: it is a conservative change, it occurs at a poorly conserved position in the protein, it is predicted to be benign by multiple in silico algorithms, and/or has population frequency not consistent with disease.

NM_004456.5(EZH2):c.484+13C>T

Gene: EZH2 (enhancer of zeste 2 polycomb repressive complex 2 subunit; minus strand). Cytogenetic location: 7q36.1.
Variant type: single nucleotide variant.
Coding change: c.484+13C>T on transcript NM_004456.5 (MANE Select); 13 bases into the intron after coding-DNA position 484, C replaced by T.
Molecular consequence: intron variant.
Genome position (GRCh38, 1-based): chr7:148,829,715, G>A on the plus strand (C>T on the coding strand, the complement: EZH2 is on the minus strand). VCF-style: chr7-148829715-G-A. GRCh37 (hg19) VCF-style: chr7-148526807-G-A.
Other names: c.457+13C>T (NM_001203248.2, NM_001203249.2); c.367+13C>T (NM_152998.3); c.484+13C>T (NM_001203247.2).
Identifiers: ClinVar variation 359285 (VCV000359285.13), dbSNP rs140616632, ClinGen allele CA4548129.